The following is an entry in ClinVar:

ClinVar aggregate classification (germline): Uncertain significance (1 of 4 stars; one submission).

Allele frequency attached by ClinVar (database versions not stated): TOPMed below 0.00001; gnomAD 0.00001.
gnomAD v4.1: 1 of 1,614,092 alleles (0.000062%); highest among the groups gnomAD compares: Admixed American, 0.0017%; no homozygotes.

Submission:

Labcorp Genetics (formerly Invitae), Labcorp
Classification: Uncertain significance. Last evaluated: 2024-09-08. Review status: criteria provided, single submitter. Criteria: Invitae Variant Classification Sherloc (09022015). Collection method: clinical testing. Allele origin: germline.
Comment: This sequence change replaces aspartic acid, which is acidic and polar, with histidine, which is basic and polar, at codon 375 of the HYOU1 protein (p.Asp375His). This variant is not present in population databases (gnomAD no frequency). This variant has not been reported in the literature in individuals affected with HYOU1-related conditions. ClinVar contains an entry for this variant (Variation ID: 1502223). An algorithm developed to predict the effect of missense changes on protein structure and function (PolyPhen-2) suggests that this variant is likely to be disruptive. Algorithms developed to predict the effect of sequence changes on RNA splicing suggest that this variant may disrupt the consensus splice site. In summary, the available evidence is currently insufficient to determine the role of this variant in disease. Therefore, it has been classified as a Variant of Uncertain Significance.

NM_006389.5(HYOU1):c.1123G>C (p.Asp375His)

Genes: HYOU1 (hypoxia up-regulated 1; minus strand), LOC130006884 (ATAC-STARR-seq lymphoblastoid active region 5617; plus strand). Cytogenetic location: 11q23.3.
Variant type: single nucleotide variant.
Coding change: c.1123G>C on transcript NM_006389.5 (MANE Select); coding-DNA position 1123, G replaced by C.
Protein change: p.Asp375His; replaces aspartic acid 375 with histidine.
Molecular consequence: missense variant.
Genome position (GRCh38, 1-based): chr11:119,052,172, C>G on the plus strand (G>C on the coding strand, the complement: HYOU1 is on the minus strand). VCF-style: chr11-119052172-C-G. GRCh37 (hg19) VCF-style: chr11-118922884-C-G.
Other names: c.1123G>C, p.Asp375His (NM_001130991.3); short protein forms D375H.
Identifiers: ClinVar variation 1502223 (VCV001502223.7), dbSNP rs1055746399, ClinGen allele CA229622862.
Genomic context (GRCh38, chr11:119,052,172, plus strand): 5'-CCTCCTGAACTCTGGGGACCCGAGTGGCCCCACCCACCAGGATCACCTGCTCAATCTCAT[C>G]CTGCAGTGGGTAAGAATGACAGGTGCAACAGCATGCAGTTAGCACTGACTCGTCCCTTGA-3'
Protein context (NP_006380.1, residues 365-385): QALQSAEMSL[Asp375His]EIEQVILVGG